The following is an entry in ClinVar:

NM_001029896.2(WDR45):c.175C>T (p.Arg59Cys)

Genes: WDR45 (WD repeat domain 45; minus strand), LOC126863256 (BRD4-independent group 4 enhancer GRCh37_chrX:48934848-48936047; plus strand). Cytogenetic location: Xp11.23.
Variant type: single nucleotide variant.
Coding change: c.175C>T on transcript NM_001029896.2 (MANE Select); coding-DNA position 175, C replaced by T.
Protein change: p.Arg59Cys; replaces arginine 59 with cysteine.
Molecular consequence: missense variant.
Genome position (GRCh38, 1-based): chrX:49,077,703, G>A on the plus strand (C>T on the coding strand, the complement: WDR45 is on the minus strand). VCF-style: chrX-49077703-G-A. GRCh37 (hg19) VCF-style: chrX-48935362-G-A.
Other names: c.175C>T, p.Arg59Cys (NM_007075.4); short protein forms R59C.
Identifiers: ClinVar variation 3691996 (VCV003691996.2).

ClinVar aggregate classification (germline): Uncertain significance (1 of 4 stars; one submission).

Conditions:
Neurodegeneration with brain iron accumulation 5 (NBIA5). Also called: Beta-propeller protein-associated neurodegeneration; STATIC ENCEPHALOPATHY OF CHILDHOOD WITH NEURODEGENERATION IN ADULTHOOD. Identifiers: Orphanet 329284, MedGen C3550973, MONDO:0010476, OMIM 300894.

gnomAD v4.1: 4 of 1,200,749 alleles (0.00033%); highest among the groups gnomAD compares: Non-Finnish European, 0.00045%; no homozygotes.

Submission:

Labcorp Genetics (formerly Invitae), Labcorp
Classification: Uncertain significance for Neurodegeneration with brain iron accumulation 5. Last evaluated: 2024-08-29. Review status: criteria provided, single submitter. Criteria: Invitae Variant Classification Sherloc (09022015). Collection method: clinical testing. Allele origin: germline.
Comment: This sequence change replaces arginine, which is basic and polar, with cysteine, which is neutral and slightly polar, at codon 59 of the WDR45 protein (p.Arg59Cys). This variant is not present in population databases (gnomAD no frequency). This variant has not been reported in the literature in individuals affected with WDR45-related conditions. Invitae Evidence Modeling of protein sequence and biophysical properties (such as structural, functional, and spatial information, amino acid conservation, physicochemical variation, residue mobility, and thermodynamic stability) has been performed for this missense variant. However, the output from this modeling did not meet the statistical confidence thresholds required to predict the impact of this variant on WDR45 protein function. In summary, the available evidence is currently insufficient to determine the role of this variant in disease. Therefore, it has been classified as a Variant of Uncertain Significance.